The following is an entry in ClinVar:

NM_020458.4(TTC7A):c.650C>A (p.Thr217Asn)

Gene: TTC7A (tetratricopeptide repeat domain 7A; plus strand). Cytogenetic location: 2p21.
Variant type: single nucleotide variant.
Coding change: c.650C>A on transcript NM_020458.4 (MANE Select); coding-DNA position 650, C replaced by A.
Protein change: p.Thr217Asn; replaces threonine 217 with asparagine.
Molecular consequence: missense variant. On other transcripts: 5 prime UTR variant (1).
Genome position (GRCh38, 1-based): chr2:46,978,793, C>A. VCF-style: chr2-46978793-C-A. GRCh37 (hg19) VCF-style: chr2-47205932-C-A.
Other names: c.650C>A, p.Thr217Asn (NM_001288951.2); c.548C>A, p.Thr183Asn (NM_001288953.2); c.-255C>A (NM_001288955.2); c.650C>A (NM_020458.2); short protein forms T183N, T217N.
Identifiers: ClinVar variation 1422492 (VCV001422492.6), dbSNP rs372046395, ClinGen allele CA1647305.
Genomic context (GRCh38, chr2:46,978,793, plus strand): 5'-GAGTGACCCTCTGCCTCAGAACTTTGAGACAATGGCTCTCTCTCTGTTTCCCTTCCCAGA[C>A]CACAAATAACAGCACGTCGAGGCATCTGAAAGGCTGTCACCCGCTTGACTATGAGCTCAC-3'
Protein context (NP_065191.2, residues 207-227): AQVFLQELEK[Thr217Asn]TNNSTSRHLK

ClinVar aggregate classification (germline): Uncertain significance. Review status: criteria provided, multiple submitters, no conflicts (2 of 4 stars). 2 submissions from 2 submitters: Uncertain significance (2). Last evaluated 2025-09-10.

Conditions:
Multiple gastrointestinal atresias. Also called: FAMILIAL INTESTINAL POLYATRESIA SYNDROME; Multiple intestinal atresia. Identifiers: Orphanet 2300, MedGen C0220744, MONDO:0009465.
Inborn genetic diseases. Identifiers: MedGen C0950123, MeSH D030342.

Allele frequency attached by ClinVar (database versions not stated): ExAC 0.00001; gnomAD 0.00001; gnomAD exomes 0.00001; ESP Exome Variant Server 0.00008.
gnomAD v4.1: 12 of 1,613,306 alleles (0.00074%); highest among the groups gnomAD compares: Non-Finnish European, 0.00093%; no homozygotes.

Submissions (2):

Ambry Genetics
Classification: Uncertain significance for Inborn genetic diseases. Last evaluated: 2025-09-10. Review status: criteria provided, single submitter. Criteria: Ambry Variant Classification Scheme 2023. Collection method: clinical testing. Allele origin: germline.

Labcorp Genetics (formerly Invitae), Labcorp
Classification: Uncertain significance for Multiple gastrointestinal atresias. Last evaluated: 2022-06-22. Review status: criteria provided, single submitter. Criteria: Invitae Variant Classification Sherloc (09022015). Collection method: clinical testing. Allele origin: germline.
Comment: This sequence change replaces threonine, which is neutral and polar, with asparagine, which is neutral and polar, at codon 217 of the TTC7A protein (p.Thr217Asn). This variant is present in population databases (rs372046395, gnomAD 0.002%). This variant has not been reported in the literature in individuals affected with TTC7A-related conditions. Algorithms developed to predict the effect of missense changes on protein structure and function (SIFT, PolyPhen-2, Align-GVGD) all suggest that this variant is likely to be tolerated. In summary, the available evidence is currently insufficient to determine the role of this variant in disease. Therefore, it has been classified as a Variant of Uncertain Significance.